The following is an entry in ClinVar:

ClinVar aggregate classification (germline): Conflicting classifications of pathogenicity. Review status: criteria provided, conflicting classifications (1 of 4 stars). 4 submissions from 4 submitters: Uncertain significance (2); Likely benign (1). 1 of the submissions does not count toward it. Last evaluated 2025-08-29.

Conditions:
Hereditary cancer-predisposing syndrome. Also called: Neoplastic Syndromes, Hereditary; Tumor predisposition; Hereditary Cancer Syndrome; Hereditary neoplastic syndrome. Identifiers: Orphanet 140162, MedGen C0027672, MeSH D009386, MONDO:0015356.
Hereditary breast ovarian cancer syndrome. Also called: Hereditary breast and ovarian cancer syndrome; Hereditary breast and ovarian cancer; Hereditary breast and ovarian cancer syndrome (HBOC); Breast and ovarian cancer; Hereditary breast and/or ovarian cancer syndrome; BRCA1- and BRCA2-Associated Hereditary Breast and Ovarian Cancer. Identifiers: Orphanet 145, MedGen C0677776, MeSH D061325, MONDO:0003582. Disease mechanism: loss of function.
Familial cancer of breast. Also called: BREAST CANCER, FAMILIAL; Hereditary breast cancer; hereditary breast carcinoma. Identifiers: Orphanet 227535, MedGen C0346153, MONDO:0016419, OMIM 114480. Disease mechanism: loss of function.

Allele frequency attached by ClinVar (database versions not stated): gnomAD exomes below 0.00001 and 0.00001; ExAC 0.00002.
gnomAD v4.1: 4 of 1,605,848 alleles (0.00025%); highest among the groups gnomAD compares: Non-Finnish European, 0.00034%; no homozygotes.

Submissions (4):

Ambry Genetics
Classification: Uncertain significance for Hereditary cancer-predisposing syndrome. Last evaluated: 2025-08-29. Review status: criteria provided, single submitter. Criteria: Ambry Variant Classification Scheme 2023. Collection method: clinical testing. Allele origin: germline.
Comment: The p.N1730Y variant (also known as c.5188A>T), located in coding exon 10 of the BRCA2 gene, results from an A to T substitution at nucleotide position 5188. The asparagine at codon 1730 is replaced by tyrosine, an amino acid with dissimilar properties. This variant was detected in a cohort of 263 men with early-onset prostate cancer (Edwards SM et al. Am J Hum Genet, 2003 Jan;72:1-12). This amino acid position is not well conserved in available vertebrate species. In addition, this alteration is predicted to be tolerated by in silico analysis. Since supporting evidence is limited at this time, the clinical significance of this alteration remains unclear.

Labcorp Genetics (formerly Invitae), Labcorp
Classification: Uncertain significance for Hereditary breast ovarian cancer syndrome. Last evaluated: 2025-07-15. Review status: criteria provided, single submitter. Criteria: Invitae Variant Classification Sherloc (09022015). Collection method: clinical testing. Allele origin: germline.
Comment: This sequence change replaces asparagine, which is neutral and polar, with tyrosine, which is neutral and polar, at codon 1730 of the BRCA2 protein (p.Asn1730Tyr). This variant is present in population databases (rs397507770, gnomAD 0.002%). This missense change has been observed in individual(s) with prostate cancer (PMID: 12474142). This variant is also known as c.5416A>T. ClinVar contains an entry for this variant (Variation ID: 51809). Invitae Evidence Modeling of protein sequence and biophysical properties (such as structural, functional, and spatial information, amino acid conservation, physicochemical variation, residue mobility, and thermodynamic stability) indicates that this missense variant is not expected to disrupt BRCA2 protein function with a negative predictive value of 95%. In summary, the available evidence is currently insufficient to determine the role of this variant in disease. Therefore, it has been classified as a Variant of Uncertain Significance.

University of Washington Department of Laboratory Medicine, University of Washington
Classification: Likely benign for Hereditary cancer-predisposing syndrome. Last evaluated: 2023-03-23. Review status: criteria provided, single submitter. Criteria: Dines et al. (Genet Med. 2020). Collection method: curation. Allele origin: germline.
Comment: Missense variant in a coldspot region where missense variants are very unlikely to be pathogenic (PMID:31911673).

BRCA2 exon 11 coldspot. Reclassification based on statistical prior probability.

ClinVar Staff, National Center for Biotechnology Information (NCBI)
No classification provided. Condition: Familial cancer of breast. Review status: no classification provided. Collection method: literature only. Allele origin: germline. Affected: yes. Not counted in ClinVar's aggregate classification.

Literature cited by the submitters: PubMed 12474142 (cited by Ambry Genetics and Labcorp Genetics (formerly Invitae), Labcorp); PubMed 11241844 (cited by ClinVar Staff, National Center for Biotechnology Information (NCBI)).

NM_000059.4(BRCA2):c.5188A>T (p.Asn1730Tyr)

Gene: BRCA2 (BRCA2 DNA repair associated; plus strand). Cytogenetic location: 13q13.1.
Variant type: single nucleotide variant.
Coding change: c.5188A>T on transcript NM_000059.4 (MANE Select); coding-DNA position 5188, A replaced by T.
Protein change: p.Asn1730Tyr; replaces asparagine 1730 with tyrosine.
Molecular consequence: missense variant.
Genome position (GRCh38, 1-based): chr13:32,339,543, A>T. VCF-style: chr13-32339543-A-T. GRCh37 (hg19) VCF-style: chr13-32913680-A-T.
Other names: short protein forms N1730Y.
Identifiers: ClinVar variation 51809 (VCV000051809.11), dbSNP rs397507770, ClinGen allele CA021622.